The following is an entry in ClinVar:

NM_001374259.2(IL12RB2):c.1559-2A>G

Gene: IL12RB2 (interleukin 12 receptor subunit beta 2; plus strand). Cytogenetic location: 1p31.3.
Variant type: single nucleotide variant.
Coding change: c.1559-2A>G on transcript NM_001374259.2 (MANE Select); the canonical splice acceptor site of the intron before coding-DNA position 1559, A replaced by G.
Molecular consequence: splice acceptor variant. On other transcripts: intron variant (1).
Genome position (GRCh38, 1-based): chr1:67,372,623, A>G. VCF-style: chr1-67372623-A-G. GRCh37 (hg19) VCF-style: chr1-67838306-A-G.
Other names: c.1559-2A>G (NM_001258214.1, NM_001319233.1, NM_001258216.1 and 1 more transcripts); c.1459+4598A>G (NM_001258215.1).
Identifiers: ClinVar variation 1348886 (VCV001348886.8), dbSNP rs2101016425, ClinGen allele CA340729431.

ClinVar aggregate classification (germline): Uncertain significance (1 of 4 stars; one submission).

Allele frequency attached by ClinVar (database versions not stated): gnomAD exomes below 0.00001.
gnomAD v4.1: 1 of 1,613,622 alleles (0.000062%); highest among the groups gnomAD compares: Middle Eastern, 0.016%; no homozygotes.

Submission:

Labcorp Genetics (formerly Invitae), Labcorp
Classification: Uncertain significance. Last evaluated: 2022-07-19. Review status: criteria provided, single submitter. Criteria: Invitae Variant Classification Sherloc (09022015). Collection method: clinical testing. Allele origin: germline.
Comment: This sequence change affects an acceptor splice site in intron 11 of the IL12RB2 gene. It is expected to disrupt RNA splicing. Variants that disrupt the donor or acceptor splice site typically lead to a loss of protein function (PMID: 16199547), however the current clinical and genetic evidence is not sufficient to establish whether loss-of-function variants in IL12RB2 cause disease. This variant is not present in population databases (gnomAD no frequency). This variant has not been reported in the literature in individuals affected with IL12RB2-related conditions. ClinVar contains an entry for this variant (Variation ID: 1348886). Algorithms developed to predict the effect of sequence changes on RNA splicing suggest that this variant may disrupt the consensus splice site. In summary, the available evidence is currently insufficient to determine the role of this variant in disease. Therefore, it has been classified as a Variant of Uncertain Significance.

Literature cited by the submitters: PubMed 16199547.